The following is an entry in ClinVar:

NM_001388492.1(HTT):c.6509A>T (p.Glu2170Val)

Gene: HTT (huntingtin; plus strand). Cytogenetic location: 4p16.3.
Variant type: single nucleotide variant.
Coding change: c.6509A>T on transcript NM_001388492.1 (MANE Select); coding-DNA position 6509, A replaced by T.
Protein change: p.Glu2170Val; replaces glutamic acid 2170 with valine.
Molecular consequence: missense variant.
Genome position (GRCh38, 1-based): chr4:3,212,023, A>T. VCF-style: chr4-3212023-A-T. GRCh37 (hg19) VCF-style: chr4-3213750-A-T.
Other names: c.6515A>T, p.Glu2172Val (NM_002111.8); short protein forms E2170V, E2172V.
Identifiers: ClinVar variation 1499202 (VCV001499202.6), dbSNP rs1321249663, ClinGen allele CA356090042.

ClinVar aggregate classification (germline): Uncertain significance (1 of 4 stars; one submission).

Allele frequency attached by ClinVar (database versions not stated): gnomAD exomes below 0.00001 and 0.00001.
gnomAD v4.1: 2 of 1,614,188 alleles (0.00012%); highest among the groups gnomAD compares: Admixed American, 0.0033%; no homozygotes.

Submission:

Labcorp Genetics (formerly Invitae), Labcorp
Classification: Uncertain significance. Last evaluated: 2020-12-31. Review status: criteria provided, single submitter. Criteria: Invitae Variant Classification Sherloc (09022015). Collection method: clinical testing. Allele origin: germline.
Comment: In summary, the available evidence is currently insufficient to determine the role of this variant in disease. Therefore, it has been classified as a Variant of Uncertain Significance. Experimental studies and prediction algorithms are not available or were not evaluated, and the functional significance of this variant is currently unknown. This variant has not been reported in the literature in individuals with HTT-related conditions. This variant is not present in population databases (ExAC no frequency). This sequence change replaces glutamic acid with valine at codon 2172 of the HTT protein (p.Glu2172Val). The glutamic acid residue is weakly conserved and there is a moderate physicochemical difference between glutamic acid and valine.